The following is an entry in ClinVar:

ClinVar aggregate classification (germline): Benign/Likely benign. Review status: criteria provided, multiple submitters, no conflicts (2 of 4 stars). 11 submissions from 11 submitters: Benign (2); Likely benign (6). 3 of the submissions do not count toward it. Last evaluated 2026-02-02.

Conditions:
STK11-related disorder. Also called: STK11-related condition.
Hereditary cancer-predisposing syndrome. Also called: Tumor predisposition; Hereditary Cancer Syndrome; Hereditary neoplastic syndrome; Neoplastic Syndromes, Hereditary. Identifiers: Orphanet 140162, MedGen C0027672, MeSH D009386, MONDO:0015356.
Peutz-Jeghers syndrome (PJS). Also called: POLYPOSIS, HAMARTOMATOUS INTESTINAL; POLYPS-AND-SPOTS SYNDROME; Peutz-Jeghers polyposis; Periorificial lentiginosis syndrome. Identifiers: Orphanet 2869, MedGen C0031269, MeSH D010580, MONDO:0008280, OMIM 175200.
Malignant tumor of breast. Also called: Cancer breast; Malignant breast neoplasm. Identifiers: MedGen C0006142, MONDO:0007254. Disease mechanism: loss of function.

Allele frequency attached by ClinVar (database versions not stated): TOPMed 0.00002; gnomAD 0.00003; gnomAD exomes 0.00003 and 0.00004; ExAC 0.00006.
gnomAD v4.1: 49 of 1,610,832 alleles (0.003%); highest among the groups gnomAD compares: Middle Eastern, 0.016%; no homozygotes.

Submissions (11):

Labcorp Genetics (formerly Invitae), Labcorp
Classification: Likely benign for Peutz-Jeghers syndrome. Last evaluated: 2026-02-02. Review status: criteria provided, single submitter. Criteria: Invitae Variant Classification Sherloc (09022015). Collection method: clinical testing. Allele origin: germline.

Quest Diagnostics Nichols Institute San Juan Capistrano
Classification: Benign. Last evaluated: 2025-01-23. Review status: criteria provided, single submitter. Criteria: Quest Diagnostics criteria. Collection method: clinical testing. Allele origin: unknown.

All of Us Research Program, National Institutes of Health
Classification: Likely benign for Peutz-Jeghers syndrome. Last evaluated: 2023-12-15. Review status: criteria provided, single submitter. Criteria: ACMG Guidelines, 2015. Collection method: clinical testing. Allele origin: germline. Inheritance: Autosomal dominant inheritance. Observed: 5 variant alleles, 5 heterozygotes.
Comment: This study involves interpretation of variants in research participants for the purpose of population health screening. Participant phenotype was not available at the time of variant classification. Additional details can be found in publication PMID: 35346344, PMCID: PMC8962531

KCCC/NGS Laboratory, Kuwait Cancer Control Center
Classification: Likely benign for Peutz-Jeghers syndrome. Last evaluated: 2023-07-07. Review status: criteria provided, single submitter. Criteria: ACMG Guidelines, 2015. Collection method: clinical testing. Allele origin: germline. Affected: yes.

Myriad Genetics, Inc.
Classification: Benign for Peutz-Jeghers syndrome. Last evaluated: 2023-04-13. Review status: criteria provided, single submitter. Criteria: Myriad Autosomal Dominant, Autosomal Recessive and X-Linked Classification Criteria (2023). Collection method: clinical testing. Allele origin: unknown.
Comment: This variant is considered benign. This variant is a silent/synonymous amino acid change and it is not expected to impact splicing.

Genome-Nilou Lab
Classification: Likely benign for Peutz-Jeghers syndrome. Last evaluated: 2021-07-15. Review status: criteria provided, single submitter. Criteria: ACMG Guidelines, 2015. Collection method: clinical testing. Allele origin: germline. Affected: no.

Color Diagnostics, LLC DBA Color Health
Classification: Likely benign for Hereditary cancer-predisposing syndrome. Last evaluated: 2016-03-04. Review status: criteria provided, single submitter. Criteria: ACMG Guidelines, 2015. Collection method: clinical testing. Allele origin: germline.

Ambry Genetics
Classification: Likely benign for Hereditary cancer-predisposing syndrome. Last evaluated: 2015-08-06. Review status: criteria provided, single submitter. Criteria: Ambry Variant Classification Scheme 2023. Collection method: clinical testing. Allele origin: germline.

PreventionGenetics, part of Exact Sciences
Classification: Likely benign for STK11-related condition. Last evaluated: 2021-06-06. Review status: no assertion criteria provided. Collection method: clinical testing. Allele origin: germline. Not counted in ClinVar's aggregate classification.
Comment: This variant is classified as likely benign based on ACMG/AMP sequence variant interpretation guidelines (Richards et al. 2015 PMID: 25741868, with internal and published modifications).

Counsyl
Classification: Likely benign for Peutz-Jeghers syndrome. Last evaluated: 2016-09-29. Review status: no assertion criteria provided. Collection method: clinical testing. Allele origin: unknown. Not counted in ClinVar's aggregate classification.

Department of Pathology and Laboratory Medicine, Sinai Health System
Classification: Likely benign for Malignant tumor of breast. Review status: no assertion criteria provided. Collection method: clinical testing. Allele origin: unknown. Affected: yes. Observed: 1 variant allele. Study: The Canadian Open Genetics Repository (COGR). Not counted in ClinVar's aggregate classification.
Comment: The STK11 p.His345= variant was not identified in the literature nor was it identified in the following databases: LOVD 3.0, Zhejiang Colon Cancer Database, Insight Hereditary Tumors Database. The variant was identified in dbSNP (ID: rs751619208) as With Likely benign allele and ClinVar (classified as likely benign by Ambry Genetics, Invitae, Clunsyl, Color Genetics) databases. The variant was identified in control databases in 12 of 272030 chromosomes at a frequency of 0.000044 (Genome Aggregation Database Feb 27, 2017). Breakdown of the observations by population include African in 1 of 23368 chromosomes (freq: 0.00004), European Non-Finnish in 10 of 124322 chromosomes (freq: 0.0001), and South Asian in 1 of 30224 chromosomes (freq: 0.00003), while the variant was not observed in the Other, Latino, Ashkenazi Jewish, East Asian, European Finnish populations. The p.His345= variant is not expected to have clinical significance because it does not result in a change of amino acid and is not located in a known consensus splice site. In addition, in silico or computational prediction software programs (SpliceSiteFinder, MaxEntScan, NNSPLICE, GeneSplicer, HumanSpliceFinder) do not predict a difference in splicing. In summary, based on the above information, the clinical significance of this variant cannot be determined with certainty at this time although we would lean towards a more benign role for this variant. This variant is classified as likely benign.

NM_000455.5(STK11):c.1035C>T (p.His345=)

Genes: STK11 (serine/threonine kinase 11; plus strand), LOC130062899 (ATAC-STARR-seq lymphoblastoid active region 13597; plus strand). Cytogenetic location: 19p13.3.
Variant type: single nucleotide variant.
Coding change: c.1035C>T on transcript NM_000455.5 (MANE Select); coding-DNA position 1035, C replaced by T.
Protein change: p.His345=; no amino-acid change (histidine 345 retained).
Molecular consequence: synonymous variant.
Genome position (GRCh38, 1-based): chr19:1,223,099, C>T. VCF-style: chr19-1223099-C-T. GRCh37 (hg19) VCF-style: chr19-1223098-C-T.
Identifiers: ClinVar variation 183994 (VCV000183994.29), dbSNP rs751619208, ClinGen allele CA022182.